The following is an entry in ClinVar:

ClinVar aggregate classification (germline): Benign/Likely benign. Review status: criteria provided, multiple submitters, no conflicts (2 of 4 stars). 13 submissions from 11 submitters: Benign (11); Likely benign (1). 1 of the submissions does not count toward it. Last evaluated 2026-02-04.

Conditions:
Fanconi anemia complementation group Q. Identifiers: Orphanet 84, MedGen C3808988, MONDO:0014108, OMIM 615272.
Xeroderma pigmentosum, group F (XPF). Also called: XERODERMA PIGMENTOSUM, TYPE F; Xeroderma pigmentosum, type 6; XERODERMA PIGMENTOSUM VI; XP, GROUP F; XERODERMA PIGMENTOSUM, COMPLEMENTATION GROUP F; ERCC4-Related Xeroderma Pigmentosum. Identifiers: MedGen C0268140, MONDO:0010215, OMIM 278760.
XFE progeroid syndrome (XFEPS). Also called: XPF-ERCC1 PROGEROID SYNDROME. Identifiers: MedGen C1970416, MONDO:0012590, OMIM 610965.
Cockayne syndrome. Identifiers: Orphanet 191, MedGen C0009207, MONDO:0016006.

Allele frequency attached by ClinVar (database versions not stated): 1000 Genomes Project 30x 0.23173; 1000 Genomes Project 0.24121; gnomAD 0.24619 and 0.24877; TOPMed 0.24718; ESP Exome Variant Server 0.25319; gnomAD exomes 0.27206 and 0.28728; ExAC 0.27228.
gnomAD v4.1: 457,614 of 1,613,896 alleles (28%); highest among the groups gnomAD compares: Middle Eastern, 37%; 66,188 homozygotes.

Submissions (13):

Labcorp Genetics (formerly Invitae), Labcorp
Classification: Benign for Fanconi anemia complementation group Q; Xeroderma pigmentosum, group F; Cockayne syndrome. Last evaluated: 2026-02-04. Review status: criteria provided, single submitter. Criteria: Invitae Variant Classification Sherloc (09022015). Collection method: clinical testing. Allele origin: germline.

ARUP Laboratories, Molecular Genetics and Genomics, ARUP Laboratories
Classification: Benign. Last evaluated: 2025-07-28. Review status: criteria provided, single submitter. Criteria: ARUP Molecular Germline Variant Investigation Process 2024. Collection method: clinical testing. Allele origin: germline.

Blueprint Genetics
Classification: Likely benign. Last evaluated: 2024-11-27. Review status: criteria provided, single submitter. Criteria: ACMG Guidelines, 2015. Collection method: clinical testing. Allele origin: germline.

KCCC/NGS Laboratory, Kuwait Cancer Control Center
Classification: Benign for Xeroderma pigmentosum, group F. Last evaluated: 2023-07-07. Review status: criteria provided, single submitter. Criteria: ACMG Guidelines, 2015. Collection method: clinical testing. Allele origin: germline. Affected: yes.

Mayo Clinic Laboratories, Mayo Clinic
Classification: Benign. Last evaluated: 2022-09-06. Review status: criteria provided, single submitter. Criteria: ACMG Guidelines, 2015. Collection method: clinical testing. Allele origin: germline. Observed: 24 variant alleles.

Genome-Nilou Lab
Classification: Benign for Fanconi anemia complementation group Q. Last evaluated: 2021-07-30. Review status: criteria provided, single submitter. Criteria: ACMG Guidelines, 2015. Collection method: clinical testing. Allele origin: germline. Affected: no.

Genome-Nilou Lab
Classification: Benign for Xeroderma pigmentosum, group F. Last evaluated: 2021-07-30. Review status: criteria provided, single submitter. Criteria: ACMG Guidelines, 2015. Collection method: clinical testing. Allele origin: germline. Affected: no.

Genome-Nilou Lab
Classification: Benign for XFE progeroid syndrome. Last evaluated: 2021-07-30. Review status: criteria provided, single submitter. Criteria: ACMG Guidelines, 2015. Collection method: clinical testing. Allele origin: germline. Affected: no.

GeneDx
Classification: Benign. Last evaluated: 2019-02-26. Review status: criteria provided, single submitter. Criteria: GeneDx Variant Classification Process June 2021. Collection method: clinical testing. Allele origin: germline. Affected: yes.

Illumina Laboratory Services, Illumina
Classification: Benign for Xeroderma pigmentosum, group F. Last evaluated: 2018-01-13. Review status: criteria provided, single submitter. Criteria: ICSL Variant Classification Criteria 13 December 2019. Collection method: clinical testing. Allele origin: germline.
Comment: This variant was observed in the ICSL laboratory as part of a predisposition screen in an ostensibly healthy population. It had not been previously curated by ICSL or reported in the Human Gene Mutation Database (HGMD: prior to June 1st, 2018), and was therefore a candidate for classification through an automated scoring system. Utilizing variant allele frequency, disease prevalence and penetrance estimates, and inheritance mode, an automated score was calculated to assess if this variant is too frequent to cause the disease. Based on the score and internal cut-off values, a variant classified as benign is not then subjected to further curation. The score for this variant resulted in a classification of benign for this disease.

Breakthrough Genomics
Classification: Benign. Review status: criteria provided, single submitter. Criteria: ACMG Guidelines, 2015. Collection method: not provided. Allele origin: germline. Inheritance: Autosomal recessive inheritance. Affected: yes.

PreventionGenetics, part of Exact Sciences
Classification: Benign. Review status: criteria provided, single submitter. Criteria: ACMG Guidelines, 2015. Collection method: clinical testing. Allele origin: germline.

Genetic Services Laboratory, University of Chicago
Classification: Likely benign for AllHighlyPenetrant. Review status: no assertion criteria provided. Collection method: clinical testing. Allele origin: germline. Inheritance: Autosomal recessive inheritance. Not counted in ClinVar's aggregate classification.
Comment: Likely benign based on allele frequency in 1000 Genomes Project or ESP global frequency and its presence in a patient with a rare or unrelated disease phenotype. NOT Sanger confirmed.

NM_005236.3(ERCC4):c.2505T>C (p.Ser835=)

Gene: ERCC4 (ERCC excision repair 4, endonuclease catalytic subunit; plus strand). Cytogenetic location: 16p13.12.
Variant type: single nucleotide variant.
Coding change: c.2505T>C on transcript NM_005236.3 (MANE Select); coding-DNA position 2505, T replaced by C.
Protein change: p.Ser835=; no amino-acid change (serine 835 retained).
Molecular consequence: synonymous variant.
Genome position (GRCh38, 1-based): chr16:13,948,101, T>C. VCF-style: chr16-13948101-T-C. GRCh37 (hg19) VCF-style: chr16-14041958-T-C.
Other names: p.Ser835=.
Identifiers: ClinVar variation 129007 (VCV000129007.28), dbSNP rs1799801, ClinGen allele CA152756.